The following is an entry in ClinVar:

ClinVar aggregate classification (germline): Benign/Likely benign. Review status: criteria provided, multiple submitters, no conflicts (2 of 4 stars). 2 submissions from 2 submitters: Benign (1); Likely benign (1). Last evaluated 2026-09-28.

Conditions:
Neurofibromatosis, type 1 (NF1). Also called: Neurofibromatosis, type I; VON RECKLINGHAUSEN DISEASE; Peripheral type neurofibromatosis; NEUROFIBROMATOSIS, TYPE I, SOMATIC. Identifiers: Orphanet 636, MedGen C0027831, MONDO:0018975, OMIM 162200. Disease mechanism: loss of function.

Submissions (2):

Myriad Genetics, Inc.
Classification: Benign for Neurofibromatosis, type 1. Last evaluated: 2026-09-28. Review status: criteria provided, single submitter. Criteria: Myriad Autosomal Dominant, Autosomal Recessive and X-Linked Classification Criteria (2023). Collection method: clinical testing. Allele origin: unknown.
Comment: This variant is considered benign. This variant is a silent/synonymous amino acid change and it is not expected to impact splicing.

Labcorp Genetics (formerly Invitae), Labcorp
Classification: Likely benign for Neurofibromatosis, type 1. Last evaluated: 2024-04-15. Review status: criteria provided, single submitter. Criteria: Invitae Variant Classification Sherloc (09022015). Collection method: clinical testing. Allele origin: germline.

NM_001042492.3(NF1):c.4636C>T (p.Leu1546=)

Gene: NF1 (neurofibromin 1; plus strand). Cytogenetic location: 17q11.2.
Variant type: single nucleotide variant.
Coding change: c.4636C>T on transcript NM_001042492.3 (MANE Select); coding-DNA position 4636, C replaced by T.
Protein change: p.Leu1546=; no amino-acid change (leucine 1546 retained).
Molecular consequence: synonymous variant.
Genome position (GRCh38, 1-based): chr17:31,261,769, C>T. VCF-style: chr17-31261769-C-T. GRCh37 (hg19) VCF-style: chr17-29588787-C-T.
Other names: c.4573C>T, p.Leu1525= (NM_000267.4).
Identifiers: ClinVar variation 1143498 (VCV001143498.8), dbSNP rs2151466329, ClinGen allele CA499233866.
Genomic context (GRCh38, chr17:31,261,769, plus strand): 5'-AGGGATCATAAAGCTGTTGGAAGACGACCTTTTGATAAGATGGCAACACTTCTTGCATAC[C>T]TGGGTCCTCCAGAGCACAAACCTGTGGCAGATACACACTGGTCCAGCCTTAACCTTACCA-3'
Protein context (NP_001035957.1, residues 1536-1556): FDKMATLLAY[Leu1546=]GPPEHKPVAD